The following is an entry in ClinVar:

NM_007294.4(BRCA1):c.5074+8A>G

Gene: BRCA1 (BRCA1 DNA repair associated; minus strand). Cytogenetic location: 17q21.31.
Variant type: single nucleotide variant.
Coding change: c.5074+8A>G on transcript NM_007294.4 (MANE Select); 8 bases into the intron after coding-DNA position 5074, A replaced by G.
Molecular consequence: intron variant.
Genome position (GRCh38, 1-based): chr17:43,067,600, T>C on the plus strand (A>G on the coding strand, the complement: BRCA1 is on the minus strand). VCF-style: chr17-43067600-T-C. GRCh37 (hg19) VCF-style: chr17-41219617-T-C.
Other names: c.4864+8A>G (NM_001407889.1, NM_001407884.1, NM_001407879.1 and 5 more transcripts); c.4933+8A>G (NM_001407695.1, NM_001407726.1, NM_001407730.1 and 13 more transcripts); c.4927+8A>G (NM_001407846.1, NM_001407850.1, NM_001407844.1 and 12 more transcripts); c.1234+8A>G (NM_001408513.1); c.1498+8A>G (NM_001408503.1, NM_001408502.1, NM_001408504.1); c.4930+8A>G (NM_001407943.1, NM_001407748.1, NM_001407752.1 and 21 more transcripts); c.1501+8A>G (NM_001408500.1, NM_001408497.1, NM_001408496.1 and 3 more transcripts); c.4810+8A>G (NM_001407921.1, NM_001407926.1, NM_001407924.1 and 4 more transcripts); and 71 more.
Identifiers: ClinVar variation 868992 (VCV000868992.3), dbSNP rs2052153856, ClinGen allele CA916080148.

Conditions:
Breast-ovarian cancer, familial, susceptibility to, 1 (BROVCA1). Also called: BRCA1 Hereditary Breast and Ovarian Cancer; OVARIAN CANCER, SUSCEPTIBILITY TO. Identifiers: Orphanet 145, MedGen C2676676, MONDO:0011450, OMIM 604370. Disease mechanism: loss of function.

Submission:

Brotman Baty Institute, University of Washington
No classification provided (evidence only). Condition: Breast-ovarian cancer, familial 1. Review status: no classification provided. Collection method: in vitro. Allele origin: not applicable. Functional consequence: functionally_normal.
ClinVar note: "not provided" was previously submitted as the classification for the variant. However, the classification appeared to be based only on an observation of functional data so it was converted to no classification on 2025-07-30.